The following is an entry in ClinVar:

ClinVar aggregate classification (germline): Uncertain significance. Review status: criteria provided, multiple submitters, no conflicts (2 of 4 stars). 2 submissions from 2 submitters: Uncertain significance (2). Last evaluated 2025-11-10.

Conditions:
Ornithine aminotransferase deficiency (GACR). Also called: Ornithine ketoacid aminotransferase deficiency; Gyrate atrophy; Gyrate atrophy of choroid and retina; Girate atrophy of the retina; HYPERORNITHINEMIA WITH GYRATE ATROPHY OF CHOROID AND RETINA; OAT DEFICIENCY. Identifiers: Orphanet 414, MedGen C0018425, MONDO:0009796, OMIM 258870.
Inborn genetic diseases. Identifiers: MedGen C0950123, MeSH D030342.

Submissions (2):

Labcorp Genetics (formerly Invitae), Labcorp
Classification: Uncertain significance for Ornithine aminotransferase deficiency. Last evaluated: 2025-11-10. Review status: criteria provided, single submitter. Criteria: Invitae Variant Classification Sherloc (09022015). Collection method: clinical testing. Allele origin: germline.
Comment: This sequence change replaces serine, which is neutral and polar, with isoleucine, which is neutral and non-polar, at codon 15 of the OAT protein (p.Ser15Ile). This variant is not present in population databases (gnomAD no frequency). This variant has not been reported in the literature in individuals affected with OAT-related conditions. ClinVar contains an entry for this variant (Variation ID: 1976987). An algorithm developed to predict the effect of missense changes on protein structure and function (PolyPhen-2) suggests that this variant is likely to be tolerated. In summary, the available evidence is currently insufficient to determine the role of this variant in disease. Therefore, it has been classified as a Variant of Uncertain Significance.

Ambry Genetics
Classification: Uncertain significance for Inborn genetic diseases. Last evaluated: 2025-08-28. Review status: criteria provided, single submitter. Criteria: Ambry Variant Classification Scheme 2023. Collection method: clinical testing. Allele origin: germline.

NM_000274.4(OAT):c.44G>T (p.Ser15Ile)

Gene: OAT (ornithine aminotransferase; minus strand). Cytogenetic location: 10q26.13.
Variant type: single nucleotide variant.
Coding change: c.44G>T on transcript NM_000274.4 (MANE Select); coding-DNA position 44, G replaced by T.
Protein change: p.Ser15Ile; replaces serine 15 with isoleucine.
Molecular consequence: missense variant. On other transcripts: intron variant (2).
Genome position (GRCh38, 1-based): chr10:124,412,128, C>A on the plus strand (G>T on the coding strand, the complement: OAT is on the minus strand). VCF-style: chr10-124412128-C-A. GRCh37 (hg19) VCF-style: chr10-126100697-C-A.
Other names: c.44G>T, p.Ser15Ile (NM_001322965.2, NM_001322966.2, NM_001322967.2 and 4 more transcripts); c.-215-3163G>T (NM_001171814.2); c.-515-3163G>T (NM_001322974.2); short protein forms S15I.
Identifiers: ClinVar variation 1976987 (VCV001976987.5), dbSNP rs1430118311, ClinGen allele CA378638288.